The following is an entry in ClinVar:

ClinVar aggregate classification (germline): Uncertain significance (1 of 4 stars; one submission).

Conditions:
Cardiovascular phenotype. Identifiers: MedGen CN230736.

Submission:

Ambry Genetics
Classification: Uncertain significance for Cardiovascular phenotype. Last evaluated: 2025-04-02. Review status: criteria provided, single submitter. Criteria: Ambry Variant Classification Scheme 2023. Collection method: clinical testing. Allele origin: germline.
Comment: The p.Y255D variant (also known as c.763T>G), located in coding exon 6 of the DSP gene, results from a T to G substitution at nucleotide position 763. The tyrosine at codon 255 is replaced by aspartic acid, an amino acid with highly dissimilar properties. This amino acid position is conserved. In addition, this alteration is predicted to be deleterious by in silico analysis. Based on the available evidence, the clinical significance of this variant remains unclear.

NM_004415.4(DSP):c.763T>G (p.Tyr255Asp)

Gene: DSP (desmoplakin; plus strand). Cytogenetic location: 6p24.3.
Variant type: single nucleotide variant.
Coding change: c.763T>G on transcript NM_004415.4 (MANE Select); coding-DNA position 763, T replaced by G.
Protein change: p.Tyr255Asp; replaces tyrosine 255 with aspartic acid.
Molecular consequence: missense variant.
Genome position (GRCh38, 1-based): chr6:7,563,772, T>G. VCF-style: chr6-7563772-T-G. GRCh37 (hg19) VCF-style: chr6-7564005-T-G.
Other names: c.763T>G, p.Tyr255Asp (NM_001008844.3, NM_001319034.2, NM_001406591.1); short protein forms Y255D.
Identifiers: ClinVar variation 4015092 (VCV004015092.1).